The following is an entry in ClinVar:

NM_000093.5(COL5A1):c.2415C>T (p.Gly805=)

Gene: COL5A1 (collagen type V alpha 1 chain; plus strand). Cytogenetic location: 9q34.3.
Variant type: single nucleotide variant.
Coding change: c.2415C>T on transcript NM_000093.5 (MANE Select); coding-DNA position 2415, C replaced by T.
Protein change: p.Gly805=; no amino-acid change (glycine 805 retained).
Molecular consequence: synonymous variant.
Genome position (GRCh38, 1-based): chr9:134,780,131, C>T. VCF-style: chr9-134780131-C-T. GRCh37 (hg19) VCF-style: chr9-137671977-C-T.
Other names: c.2415C>T, p.Gly805= (NM_001278074.1).
Identifiers: ClinVar variation 510002 (VCV000510002.9), dbSNP rs769239532, ClinGen allele CA5319322.

ClinVar aggregate classification (germline): Benign/Likely benign. Review status: criteria provided, multiple submitters, no conflicts (2 of 4 stars). 3 submissions from 3 submitters: Benign (1); Likely benign (2). Last evaluated 2026-06-01.

Conditions:
Ehlers-Danlos syndrome, classic type, 1 (EDSCL1). Also called: EHLERS-DANLOS SYNDROME, GRAVIS TYPE; EHLERS-DANLOS SYNDROME, SEVERE CLASSIC TYPE; EDS I; Ehlers-Danlos Syndrome, Classic Type, COL5A1-Related; Ehlers-Danlos syndrome, type 1. Identifiers: MedGen C0268335, MONDO:0019567, OMIM 130000.
Familial thoracic aortic aneurysm and aortic dissection (TAAD). Also called: Thoracic aortic aneurysms and dissections. Identifiers: Orphanet 91387, MedGen C4707243, MONDO:0019625.

Allele frequency attached by ClinVar (database versions not stated): gnomAD exomes 0.00003 and 0.00001; ExAC 0.00002; TOPMed 0.00002.
gnomAD v4.1: 7 of 1,613,420 alleles (0.00043%); highest among the groups gnomAD compares: Admixed American, 0.01%; no homozygotes.

Submissions (3):

Ambry Genetics
Classification: Likely benign for Familial thoracic aortic aneurysm and aortic dissection. Last evaluated: 2026-06-01. Review status: criteria provided, single submitter. Criteria: Ambry Variant Classification Scheme 2023. Collection method: clinical testing. Allele origin: germline.

Labcorp Genetics (formerly Invitae), Labcorp
Classification: Benign for Ehlers-Danlos syndrome, classic type, 1. Last evaluated: 2024-11-28. Review status: criteria provided, single submitter. Criteria: Invitae Variant Classification Sherloc (09022015). Collection method: clinical testing. Allele origin: germline.

GeneDx
Classification: Likely benign. Last evaluated: 2017-06-02. Review status: criteria provided, single submitter. Criteria: GeneDx Variant Classification (06012015). Collection method: clinical testing. Allele origin: germline. Affected: yes.
Comment: This variant is considered likely benign or benign based on one or more of the following criteria: it is a conservative change, it occurs at a poorly conserved position in the protein, it is predicted to be benign by multiple in silico algorithms, and/or has population frequency not consistent with disease.